The following is an entry in ClinVar:

ClinVar aggregate classification (germline): Uncertain significance (1 of 4 stars; one submission).

Conditions:
Polycystic kidney disease, adult type (PKD1). Also called: Polycystic Kidney, Autosomal Dominant; POLYCYSTIC KIDNEY DISEASE, ADULT, TYPE I; Polycystic Kidney Disease 1, Autosomal Dominant; Polycystic kidney disease 1; Polycystic kidney disease 1, severe; POLYCYSTIC KIDNEY DISEASE 1 WITH OR WITHOUT POLYCYSTIC LIVER DISEASE. Identifiers: MedGen C3149841, MONDO:0008263, OMIM 173900.

Submission:

3billion
Classification: Uncertain significance for Polycystic kidney disease, adult type. Last evaluated: 2026-01-22. Review status: criteria provided, single submitter. Criteria: ACMG Guidelines, 2015. Collection method: clinical testing. Allele origin: germline. Affected: yes.
Comment: The variant is not observed in the gnomAD v4.1.0 dataset. Predicted Consequence/Location: Missense variant Damaging effect on gene or gene product predicted by in silico programs is uncertain [REVEL: 0.53 (damaging >=0.6, benign <0.4), 3Cnet: 0.26 (damaging >0.75, benign <0.1)]. Different missense changes at the same codon have been reported as of uncertain significance (ClinVar ID: VCV003579560). Therefore, this variant is classified as VUS according to the recommendation of ACMG/AMP guideline.

NM_001009944.3(PKD1):c.3985A>C (p.Thr1329Pro)

Gene: PKD1 (polycystin 1, transient receptor potential channel interacting; minus strand). Cytogenetic location: 16p13.3.
Variant type: single nucleotide variant.
Coding change: c.3985A>C on transcript NM_001009944.3 (MANE Select); coding-DNA position 3985, A replaced by C.
Protein change: p.Thr1329Pro; replaces threonine 1329 with proline.
Molecular consequence: missense variant.
Genome position (GRCh38, 1-based): chr16:2,111,182, T>G on the plus strand (A>C on the coding strand, the complement: PKD1 is on the minus strand). VCF-style: chr16-2111182-T-G. GRCh37 (hg19) VCF-style: chr16-2161183-T-G.
Other names: c.3985A>C, p.Thr1329Pro (NM_000296.4); short protein forms T1329P.
Identifiers: ClinVar variation 4855741 (VCV004855741.1).